The following is an entry in ClinVar:

NM_030632.3(ASXL3):c.3325A>G (p.Lys1109Glu)

Gene: ASXL3 (ASXL transcriptional regulator 3; plus strand). Cytogenetic location: 18q12.1.
Variant type: single nucleotide variant.
Coding change: c.3325A>G on transcript NM_030632.3 (MANE Select); coding-DNA position 3325, A replaced by G.
Protein change: p.Lys1109Glu; replaces lysine 1109 with glutamic acid.
Molecular consequence: missense variant.
Genome position (GRCh38, 1-based): chr18:33,743,173, A>G. VCF-style: chr18-33743173-A-G. GRCh37 (hg19) VCF-style: chr18-31323137-A-G.
Other names: short protein forms K1109E.
Identifiers: ClinVar variation 2575554 (VCV002575554.2), dbSNP rs2510924880, ClinGen allele CA402185096.

ClinVar aggregate classification (germline): Uncertain significance (1 of 4 stars; one submission).

Submission:

GeneDx
Classification: Uncertain significance. Last evaluated: 2025-07-23. Review status: criteria provided, single submitter. Criteria: GeneDx Variant Classification Process June 2021. Collection method: clinical testing. Allele origin: germline. Affected: yes.
Comment: Not observed at significant frequency in large population cohorts (gnomAD); In silico analysis suggests that this missense variant does not alter protein structure/function; Has not been previously published as pathogenic or benign to our knowledge